The following is an entry in ClinVar:

ClinVar aggregate classification (germline): Uncertain significance (1 of 4 stars; one submission).

Conditions:
Familial intrahepatic cholestasis. Identifiers: Orphanet 284385, MedGen CN296401, MONDO:0017290.

gnomAD v4.1: 1 of 1,581,078 alleles (0.000063%); no homozygotes.

Submission:

Genomenon, Inc
Classification: Uncertain significance for Familial intrahepatic cholestasis. Last evaluated: 2026-04-14. Review status: criteria provided, single submitter. Criteria: Genomenon Sequence Variant Interpretation Standards - Updated. Collection method: curation. Allele origin: germline. Affected: yes.
Comment: ABCB11 p.Gly806Asp (c.2417G>A) is a missense variant that changes the amino acid at residue 806 from Glycine to Aspartic acid. This variant has been observed in at least one proband with an ABCB11-related disorder (PMID:28150711). It has been observed in trans with a pathogenic or likely pathogenic variant (PMID:28150711). It is absent or not present at a significant frequency in gnomAD. In silico models predict that this variant is possibly or probably damaging. In conclusion, we classify ABCB11 p.Gly806Asp (c.2417G>A) as a variant of uncertain significance.

Literature cited by the submitters: PubMed 28150711.

NM_003742.4(ABCB11):c.2417G>A (p.Gly806Asp)

Gene: ABCB11 (ATP binding cassette subfamily B member 11; minus strand). Cytogenetic location: 2q31.1.
Variant type: single nucleotide variant.
Coding change: c.2417G>A on transcript NM_003742.4 (MANE Select); coding-DNA position 2417, G replaced by A.
Protein change: p.Gly806Asp; replaces glycine 806 with aspartic acid.
Molecular consequence: missense variant.
Genome position (GRCh38, 1-based): chr2:168,944,888, C>T on the plus strand (G>A on the coding strand, the complement: ABCB11 is on the minus strand). VCF-style: chr2-168944888-C-T. GRCh37 (hg19) VCF-style: chr2-169801398-C-T.
Other names: short protein forms G806D.
Identifiers: ClinVar variation 4846032 (VCV004846032.1).